The following is an entry in ClinVar:

NM_000245.4(MET):c.2515C>T (p.Pro839Ser)

Gene: MET (MET proto-oncogene, receptor tyrosine kinase; plus strand). Cytogenetic location: 7q31.2.
Variant type: single nucleotide variant.
Coding change: c.2515C>T on transcript NM_000245.4 (MANE Select); coding-DNA position 2515, C replaced by T.
Protein change: p.Pro839Ser; replaces proline 839 with serine.
Molecular consequence: missense variant.
Genome position (GRCh38, 1-based): chr7:116,763,200, C>T. VCF-style: chr7-116763200-C-T. GRCh37 (hg19) VCF-style: chr7-116403254-C-T.
Other names: c.2569C>T, p.Pro857Ser (NM_001127500.3); c.2515C>T, p.Pro839Ser (NM_001324401.3); c.1225C>T, p.Pro409Ser (NM_001324402.2); short protein forms P409S, P857S, P839S.
Identifiers: ClinVar variation 2835629 (VCV002835629.3), dbSNP rs2116956434, ClinGen allele CA368983494.

ClinVar aggregate classification (germline): Uncertain significance (1 of 4 stars; one submission).

Conditions:
Renal cell carcinoma. Identifiers: Orphanet 217071, MedGen C0007134, MeSH D002292, MONDO:0005086, HP:0005584.

Submission:

Labcorp Genetics (formerly Invitae), Labcorp
Classification: Uncertain significance for Renal cell carcinoma. Last evaluated: 2023-02-28. Review status: criteria provided, single submitter. Criteria: Invitae Variant Classification Sherloc (09022015). Collection method: clinical testing. Allele origin: germline.
Comment: This sequence change replaces proline, which is neutral and non-polar, with serine, which is neutral and polar, at codon 857 of the MET protein (p.Pro857Ser). In summary, the available evidence is currently insufficient to determine the role of this variant in disease. Therefore, it has been classified as a Variant of Uncertain Significance. An algorithm developed to predict the effect of missense changes on protein structure and function (PolyPhen-2) suggests that this variant is likely to be disruptive. This variant has not been reported in the literature in individuals affected with MET-related conditions. This variant is not present in population databases (gnomAD no frequency).